The following is an entry in ClinVar:

NM_001170629.2(CHD8):c.6449G>C (p.Arg2150Thr)

Gene: CHD8 (chromodomain helicase DNA binding protein 8; minus strand). Cytogenetic location: 14q11.2.
Variant type: single nucleotide variant.
Coding change: c.6449G>C on transcript NM_001170629.2 (MANE Select); coding-DNA position 6449, G replaced by C.
Protein change: p.Arg2150Thr; replaces arginine 2150 with threonine.
Molecular consequence: missense variant.
Genome position (GRCh38, 1-based): chr14:21,393,125, C>G on the plus strand (G>C on the coding strand, the complement: CHD8 is on the minus strand). VCF-style: chr14-21393125-C-G. GRCh37 (hg19) VCF-style: chr14-21861284-C-G.
Other names: c.5612G>C, p.Arg1871Thr (NM_020920.4); short protein forms R1871T, R2150T.
Identifiers: ClinVar variation 4822038 (VCV004822038.4).

ClinVar aggregate classification (germline): Uncertain significance (1 of 4 stars; one submission).

Submission:

CeGaT Center for Human Genetics Tuebingen
Classification: Uncertain significance. Last evaluated: 2026-03-01. Review status: criteria provided, single submitter. Criteria: CeGaT Center For Human Genetics Tuebingen Variant Classification Criteria Version 2. Collection method: clinical testing. Allele origin: germline. Affected: yes. Observed: 1 variant allele.
Comment: CHD8: PM2